The following is an entry in ClinVar:

ClinVar aggregate classification (germline): Uncertain significance (1 of 4 stars; one submission).

Conditions:
Early-onset Lafora body disease. Also called: Epilepsy, progressive myoclonic, 10. Identifiers: Orphanet 324290, MedGen C4225258, MONDO:0014717, OMIM 616640.

Allele frequency attached by ClinVar (database versions not stated): gnomAD exomes below 0.00001.
gnomAD v4.1: 2 of 1,611,978 alleles (0.00012%); highest among the groups gnomAD compares: Non-Finnish European, 0.00017%; no homozygotes.

Submission:

Labcorp Genetics (formerly Invitae), Labcorp
Classification: Uncertain significance for Early-onset Lafora body disease. Last evaluated: 2020-03-12. Review status: criteria provided, single submitter. Criteria: Invitae Variant Classification Sherloc (09022015). Collection method: clinical testing. Allele origin: germline.
Comment: This sequence change replaces serine with threonine at codon 254 of the PRDM8 protein (p.Ser254Thr). The serine residue is weakly conserved and there is a small physicochemical difference between serine and threonine. This variant is not present in population databases (ExAC no frequency). This variant has not been reported in the literature in individuals with PRDM8-related conditions. Algorithms developed to predict the effect of missense changes on protein structure and function output the following: SIFT: "Tolerated"; PolyPhen-2: "Benign"; Align-GVGD: "Class C0". The threonine amino acid residue is found in multiple mammalian species, suggesting that this missense change does not adversely affect protein function. These predictions have not been confirmed by published functional studies and their clinical significance is uncertain. In summary, the available evidence is currently insufficient to determine the role of this variant in disease. Therefore, it has been classified as a Variant of Uncertain Significance.

NM_001099403.2(PRDM8):c.761G>C (p.Ser254Thr)

Gene: PRDM8 (PR/SET domain 8; plus strand). Cytogenetic location: 4q21.21.
Variant type: single nucleotide variant.
Coding change: c.761G>C on transcript NM_001099403.2 (MANE Select); coding-DNA position 761, G replaced by C.
Protein change: p.Ser254Thr; replaces serine 254 with threonine.
Molecular consequence: missense variant.
Genome position (GRCh38, 1-based): chr4:80,202,223, G>C. VCF-style: chr4-80202223-G-C. GRCh37 (hg19) VCF-style: chr4-81123377-G-C.
Other names: c.761G>C, p.Ser254Thr (NM_020226.4); short protein forms S254T.
Identifiers: ClinVar variation 1002932 (VCV001002932.8), dbSNP rs1738540197, ClinGen allele CA357395163.
Genomic context (GRCh38, chr4:80,202,223, plus strand): 5'-ACCACTACCCATCCCCCTCCCCGGAAAGCAGCAACCCATCCGCTGCCGCCGGCGGCAGCA[G>C]CGCGAAGCCATCCACAGACTTCCACAACCTGGCCAGGGAGCTGGAAAACTCCCGGGGAGG-3'
Protein context (NP_001092873.1, residues 244-264): SNPSAAAGGS[Ser254Thr]AKPSTDFHNL